The following is an entry in ClinVar:

ClinVar aggregate classification (germline): Uncertain significance (1 of 4 stars; one submission).

Conditions:
Epileptic encephalopathy. Identifiers: MedGen C0543888, HP:0200134.

Submission:

Labcorp Genetics (formerly Invitae), Labcorp
Classification: Uncertain significance for Epileptic encephalopathy. Last evaluated: 2026-02-03. Review status: criteria provided, single submitter. Criteria: Invitae Variant Classification Sherloc (09022015). Collection method: clinical testing. Allele origin: germline.
Comment: This sequence change replaces histidine, which is basic and polar, with arginine, which is basic and polar, at codon 360 of the FASN protein (p.His360Arg). This variant is not present in population databases (gnomAD no frequency). This variant has not been reported in the literature in individuals affected with FASN-related conditions. An algorithm developed to predict the effect of missense changes on protein structure and function outputs the following: PolyPhen-2: "Benign". The arginine amino acid residue is found in multiple mammalian species, which suggests that this missense change does not adversely affect protein function. In summary, the available evidence is currently insufficient to determine the role of this variant in disease. Therefore, it has been classified as a Variant of Uncertain Significance.

NM_004104.5(FASN):c.1079A>G (p.His360Arg)

Gene: FASN (fatty acid synthase; minus strand). Cytogenetic location: 17q25.3.
Variant type: single nucleotide variant.
Coding change: c.1079A>G on transcript NM_004104.5 (MANE Select); coding-DNA position 1079, A replaced by G.
Protein change: p.His360Arg; replaces histidine 360 with arginine.
Molecular consequence: missense variant.
Genome position (GRCh38, 1-based): chr17:82,091,635, T>C on the plus strand (A>G on the coding strand, the complement: FASN is on the minus strand). VCF-style: chr17-82091635-T-C. GRCh37 (hg19) VCF-style: chr17-80049511-T-C.
Other names: short protein forms H360R.
Identifiers: ClinVar variation 4774546 (VCV004774546.1).